The following is an entry in ClinVar:

ClinVar aggregate classification (germline): Uncertain significance (1 of 4 stars; one submission).

Conditions:
RYR1-related disorder. Also called: RYR1-related disorders; RYR1-related condition. Identifiers: MedGen CN239331.

Submission:

Labcorp Genetics (formerly Invitae), Labcorp
Classification: Uncertain significance for RYR1-related disorder. Last evaluated: 2022-07-12. Review status: criteria provided, single submitter. Criteria: Invitae Variant Classification Sherloc (09022015). Collection method: clinical testing. Allele origin: germline.
Comment: In summary, the available evidence is currently insufficient to determine the role of this variant in disease. Therefore, it has been classified as a Variant of Uncertain Significance. Algorithms developed to predict the effect of missense changes on protein structure and function are either unavailable or do not agree on the potential impact of this missense change (SIFT: "Deleterious"; PolyPhen-2: "Possibly Damaging"; Align-GVGD: "Class C0"). ClinVar contains an entry for this variant (Variation ID: 861766). This variant has not been reported in the literature in individuals affected with RYR1-related conditions. This variant is not present in population databases (gnomAD no frequency). This sequence change replaces arginine, which is basic and polar, with methionine, which is neutral and non-polar, at codon 901 of the RYR1 protein (p.Arg901Met).

NM_000540.3(RYR1):c.2702G>T (p.Arg901Met)

Gene: RYR1 (ryanodine receptor 1; plus strand). Cytogenetic location: 19q13.2.
Variant type: single nucleotide variant.
Coding change: c.2702G>T on transcript NM_000540.3 (MANE Select); coding-DNA position 2702, G replaced by T.
Protein change: p.Arg901Met; replaces arginine 901 with methionine.
Molecular consequence: missense variant.
Genome position (GRCh38, 1-based): chr19:38,463,766, G>T. VCF-style: chr19-38463766-G-T. GRCh37 (hg19) VCF-style: chr19-38954406-G-T.
Other names: c.2702G>T, p.Arg901Met (NM_001042723.2); short protein forms R901M.
Identifiers: ClinVar variation 861766 (VCV000861766.9), dbSNP rs1967922577, ClinGen allele CA405632266.
Genomic context (GRCh38, chr19:38,463,766, plus strand): 5'-GGAAAGGGGAGCACATGGAGTTGACCCTGGGTTTTCTCCAGGTTCGGGATGACAACAAGA[G>T]GCTGCACCCGTGTCTTGTGGACTTCCACAGCCTTCCAGAGCCTGAGAGGAACTACAACCT-3'
Protein context (NP_000531.2, residues 891-911): TYGPVRDDNK[Arg901Met]LHPCLVDFHS